The following is an entry in ClinVar:

ClinVar aggregate classification (germline): Pathogenic/Likely pathogenic. Review status: criteria provided, multiple submitters, no conflicts (2 of 4 stars). 3 submissions from 3 submitters: Pathogenic (1); Likely pathogenic (2). Last evaluated 2025-01-28.

Conditions:
USH2A-related disorder. Also called: USH2A-related condition; USH2A-related disorders. Identifiers: MedGen CN239332.

Submissions (3):

PreventionGenetics, part of Exact Sciences
Classification: Likely pathogenic for USH2A-related condition. Last evaluated: 2025-01-28. Review status: criteria provided, single submitter. Criteria: ACMG Guidelines, 2015. Collection method: clinical testing. Allele origin: germline.
Comment: The USH2A c.12202G>T variant is predicted to result in premature protein termination (p.Gly4068*). To our knowledge, this variant has not been reported in the literature or in a large population database (gnomAD), indicating this variant is rare. Nonsense variants in USH2A are expected to be pathogenic. This variant is interpreted as likely pathogenic.

Labcorp Genetics (formerly Invitae), Labcorp
Classification: Pathogenic. Last evaluated: 2023-08-17. Review status: criteria provided, single submitter. Criteria: Invitae Variant Classification Sherloc (09022015). Collection method: clinical testing. Allele origin: germline.
Comment: For these reasons, this variant has been classified as Pathogenic. ClinVar contains an entry for this variant (Variation ID: 850746). This variant has not been reported in the literature in individuals affected with USH2A-related conditions. This variant is not present in population databases (gnomAD no frequency). This sequence change creates a premature translational stop signal (p.Gly4068*) in the USH2A gene. It is expected to result in an absent or disrupted protein product. Loss-of-function variants in USH2A are known to be pathogenic (PMID: 10729113, 10909849, 20507924, 25649381).

Blueprint Genetics
Classification: Likely pathogenic for USH2A-related disorders. Last evaluated: 2017-08-22. Review status: criteria provided, single submitter. Criteria: ACMG Guidelines, 2015. Collection method: clinical testing. Allele origin: germline. Affected: yes. Observed: 1 variant allele.

Literature cited by the submitters: PubMed 10729113 (cited by Labcorp Genetics (formerly Invitae), Labcorp); PubMed 10909849 (cited by Labcorp Genetics (formerly Invitae), Labcorp); PubMed 20507924 (cited by Labcorp Genetics (formerly Invitae), Labcorp); PubMed 25649381 (cited by Labcorp Genetics (formerly Invitae), Labcorp).

NM_206933.4(USH2A):c.12202G>T (p.Gly4068Ter)

Gene: USH2A (usherin; minus strand). Cytogenetic location: 1q41.
Variant type: single nucleotide variant.
Coding change: c.12202G>T on transcript NM_206933.4 (MANE Select); coding-DNA position 12202, G replaced by T.
Protein change: p.Gly4068Ter; replaces glycine 4068 with a stop codon.
Molecular consequence: nonsense.
Genome position (GRCh38, 1-based): chr1:215,680,241, C>A on the plus strand (G>T on the coding strand, the complement: USH2A is on the minus strand). VCF-style: chr1-215680241-C-A. GRCh37 (hg19) VCF-style: chr1-215853583-C-A.
Other names: short protein forms G4068*.
Identifiers: ClinVar variation 850746 (VCV000850746.9), dbSNP rs1430838005, ClinGen allele CA344816098.